The following is an entry in ClinVar:

ClinVar aggregate classification (germline): Uncertain significance (1 of 4 stars; one submission).

Conditions:
Spastic paraplegia. Identifiers: MedGen C0037772, HP:0001258.

Submission:

Labcorp Genetics (formerly Invitae), Labcorp
Classification: Uncertain significance for Spastic paraplegia. Last evaluated: 2022-04-22. Review status: criteria provided, single submitter. Criteria: Invitae Variant Classification Sherloc (09022015). Collection method: clinical testing. Allele origin: germline.
Comment: In summary, the available evidence is currently insufficient to determine the role of this variant in disease. Therefore, it has been classified as a Variant of Uncertain Significance. Advanced modeling of protein sequence and biophysical properties (such as structural, functional, and spatial information, amino acid conservation, physicochemical variation, residue mobility, and thermodynamic stability) performed at Invitae indicates that this missense variant is expected to disrupt FA2H protein function. This variant has not been reported in the literature in individuals affected with FA2H-related conditions. This variant is not present in population databases (gnomAD no frequency). This sequence change replaces glutamine, which is neutral and polar, with arginine, which is basic and polar, at codon 259 of the FA2H protein (p.Gln259Arg).

NM_024306.5(FA2H):c.776A>G (p.Gln259Arg)

Gene: FA2H (fatty acid 2-hydroxylase; minus strand). Cytogenetic location: 16q23.1.
Variant type: single nucleotide variant.
Coding change: c.776A>G on transcript NM_024306.5 (MANE Select); coding-DNA position 776, A replaced by G.
Protein change: p.Gln259Arg; replaces glutamine 259 with arginine.
Molecular consequence: missense variant.
Genome position (GRCh38, 1-based): chr16:74,718,998, T>C on the plus strand (A>G on the coding strand, the complement: FA2H is on the minus strand). VCF-style: chr16-74718998-T-C. GRCh37 (hg19) VCF-style: chr16-74752896-T-C.
Other names: short protein forms Q259R.
Identifiers: ClinVar variation 1952295 (VCV001952295.5), dbSNP rs1961771372, ClinGen allele CA396769372.
Genomic context (GRCh38, chr16:74,718,998, plus strand): 5'-CCTCTCGGGCTGCACATGCTAGGTCCGGGCTGGGACCCCGCCCCGCTCACCTTGTGGTGC[T>C]GGCCGTGCATGACGAAGTGCAGCATGATGAGGTAATAGCTGTCGCTGGGGGGCTTCATGT-3'
Protein context (NP_077282.3, residues 249-269): LIMLHFVMHG[Gln259Arg]HHKAPFDGSR